The following is an entry in ClinVar:

NM_000256.3(MYBPC3):c.3523dup (p.Leu1175fs)

Gene: MYBPC3 (myosin binding protein C3; minus strand). Cytogenetic location: 11p11.2.
Variant type: Duplication.
Coding change: c.3523dup on transcript NM_000256.3 (MANE Select); coding-DNA position 3523, one base duplicated (C; older notation c.3523dupC).
Protein change: p.Leu1175fs; shifts the reading frame from leucine 1175.
Molecular consequence: frameshift variant.
Genome position (GRCh38, 1-based): chr11:47,332,670, G duplicated on the plus strand (C on the coding strand, the reverse complement: MYBPC3 is on the minus strand); the first of 3 consecutive G bases (chr11:47,332,670-47,332,672); duplicating any one gives the same sequence. VCF-style (leftmost placement, unchanged base first): chr11-47332669-A-AG. GRCh37 (hg19) VCF-style: chr11-47354220-A-AG.
Other names: short protein forms L1175fs.
Identifiers: ClinVar variation 2768329 (VCV002768329.3), dbSNP rs2495738176, ClinGen allele CA2697548542.

ClinVar aggregate classification (germline): Pathogenic (1 of 4 stars; one submission).

Conditions:
Hypertrophic cardiomyopathy. Also called: HYPERTROPHIC MYOCARDIOPATHY. Identifiers: Orphanet 217569, MedGen C0007194, MeSH D002312, MONDO:0005045, HP:0001639.

Submission:

Labcorp Genetics (formerly Invitae), Labcorp
Classification: Pathogenic for Hypertrophic cardiomyopathy. Last evaluated: 2024-11-06. Review status: criteria provided, single submitter. Criteria: Invitae Variant Classification Sherloc (09022015). Collection method: clinical testing. Allele origin: germline.
Comment: This sequence change creates a premature translational stop signal (p.Leu1175Profs*33) in the MYBPC3 gene. It is expected to result in an absent or disrupted protein product. Loss-of-function variants in MYBPC3 are known to be pathogenic (PMID: 19574547). This variant is not present in population databases (gnomAD no frequency). This variant has not been reported in the literature in individuals affected with MYBPC3-related conditions. ClinVar contains an entry for this variant (Variation ID: 2768329). For these reasons, this variant has been classified as Pathogenic.

Literature cited by the submitters: PubMed 19574547.